The following is an entry in ClinVar:

NM_014874.4(MFN2):c.1150C>G (p.Arg384Gly)

Gene: MFN2 (mitofusin 2; plus strand). Cytogenetic location: 1p36.22.
Variant type: single nucleotide variant.
Coding change: c.1150C>G on transcript NM_014874.4 (MANE Select); coding-DNA position 1150, C replaced by G.
Protein change: p.Arg384Gly; replaces arginine 384 with glycine.
Molecular consequence: missense variant.
Genome position (GRCh38, 1-based): chr1:12,002,093, C>G. VCF-style: chr1-12002093-C-G. GRCh37 (hg19) VCF-style: chr1-12062150-C-G.
Other names: c.1150C>G, p.Arg384Gly (NM_001127660.2); short protein forms R384G.
Identifiers: ClinVar variation 2082097 (VCV002082097.4), dbSNP rs777353788, ClinGen allele CA338443366.
Genomic context (GRCh38, chr1:12,002,093, plus strand): 5'-CGGGCCAAGCAGATTGCAGAGGCGGTTCGACTCATCATGGACTCCCTGCACATGGCGGCT[C>G]GGGAGCAGCAGTAAGAGTCCAAGACTGCAGATAGGTGGAGAGAGCTGCCGAGACAAGGGT-3'
Protein context (NP_055689.1, residues 374-394): LIMDSLHMAA[Arg384Gly]EQQVYCEEMR

ClinVar aggregate classification (germline): Uncertain significance (1 of 4 stars; one submission).

Conditions:
Charcot-Marie-Tooth disease type 2. Also called: Charcot-Marie-Tooth type 2. Identifiers: Orphanet 64746, MedGen C0270914, MONDO:0018993.

gnomAD v4.1: 7 of 1,614,184 alleles (0.00043%); highest among the groups gnomAD compares: Non-Finnish European, 0.00051%; no homozygotes.

Submission:

Labcorp Genetics (formerly Invitae), Labcorp
Classification: Uncertain significance for Charcot-Marie-Tooth disease type 2. Last evaluated: 2023-04-26. Review status: criteria provided, single submitter. Criteria: Invitae Variant Classification Sherloc (09022015). Collection method: clinical testing. Allele origin: germline.
Comment: In summary, the available evidence is currently insufficient to determine the role of this variant in disease. Therefore, it has been classified as a Variant of Uncertain Significance. Advanced modeling of protein sequence and biophysical properties (such as structural, functional, and spatial information, amino acid conservation, physicochemical variation, residue mobility, and thermodynamic stability) performed at Invitae indicates that this missense variant is not expected to disrupt MFN2 protein function. ClinVar contains an entry for this variant (Variation ID: 2082097). This variant has not been reported in the literature in individuals affected with MFN2-related conditions. This variant is not present in population databases (gnomAD no frequency). This sequence change replaces arginine, which is basic and polar, with glycine, which is neutral and non-polar, at codon 384 of the MFN2 protein (p.Arg384Gly).